The following is an entry in ClinVar:

NM_003482.4(KMT2D):c.3392C>G (p.Pro1131Arg)

Gene: KMT2D (lysine methyltransferase 2D; minus strand). Cytogenetic location: 12q13.12.
Variant type: single nucleotide variant.
Coding change: c.3392C>G on transcript NM_003482.4 (MANE Select); coding-DNA position 3392, C replaced by G.
Protein change: p.Pro1131Arg; replaces proline 1131 with arginine.
Molecular consequence: missense variant.
Genome position (GRCh38, 1-based): chr12:49,050,196, G>C on the plus strand (C>G on the coding strand, the complement: KMT2D is on the minus strand). VCF-style: chr12-49050196-G-C. GRCh37 (hg19) VCF-style: chr12-49443979-G-C.
Other names: short protein forms P1131R.
Identifiers: ClinVar variation 3704316 (VCV003704316.3).
Genomic context (GRCh38, chr12:49,050,196, plus strand): 5'-GAGCCTTTAAGTTCACTAGCCAAACTGCCAGGGGTCTGTCCAGGCTCTGGCTGTGAACCC[G>C]GAGCATCAATCCCATCCAGAGGGGCTGTGTCTTCCCCTAGGCCAGAGAAGTCATCCAGGG-3'
Protein context (NP_003473.3, residues 1121-1141): DTAPLDGIDA[Pro1131Arg]GSQPEPGQTP

ClinVar aggregate classification (germline): Conflicting classifications of pathogenicity. Review status: criteria provided, conflicting classifications (1 of 4 stars). 2 submissions from 2 submitters: Uncertain significance (1); Benign (1). Last evaluated 2026-03-26.

Conditions:
KMT2D-related disorder. Also called: KMT2D-Related Disorders.
Kabuki syndrome. Also called: Kabuki make-up syndrome; NIIKAWA-KUROKI SYNDROME. Identifiers: Orphanet 2322, MedGen C0796004, MONDO:0016512.

gnomAD v4.1: 8 of 1,613,634 alleles (0.0005%); highest among the groups gnomAD compares: African/African-American, 0.008%; no homozygotes.

Submissions (2):

PreventionGenetics, part of Exact Sciences
Classification: Uncertain significance for KMT2D-related condition. Last evaluated: 2026-03-26. Review status: criteria provided, single submitter. Criteria: ACMG Guidelines, 2015. Collection method: clinical testing. Allele origin: germline.
Comment: The KMT2D c.3392C>G variant is predicted to result in the amino acid substitution p.Pro1131Arg. To our knowledge, this variant has not been reported in the literature; however a different variant affecting this same amino acid (p.Pro1131Leu) has been reported in individuals with Kabuki syndrome (Micale et al. 2014. PubMed ID: 24633898; Faundes et al. 2018. PubMed ID: 30459467). This variant is reported in 0.013% of alleles in individuals of African descent in gnomAD, which may be too frequent to be a primary cause of disease. Although we suspect this variant is benign, at this time, the clinical significance of this variant is uncertain due to the absence of conclusive functional and genetic evidence.

Labcorp Genetics (formerly Invitae), Labcorp
Classification: Benign for Kabuki syndrome. Last evaluated: 2025-12-18. Review status: criteria provided, single submitter. Criteria: Invitae Variant Classification Sherloc (09022015). Collection method: clinical testing. Allele origin: germline.